The following is an entry in ClinVar:

NM_001943.5(DSG2):c.524-9T>A

Gene: DSG2 (desmoglein 2; plus strand). Cytogenetic location: 18q12.1.
Variant type: single nucleotide variant.
Coding change: c.524-9T>A on transcript NM_001943.5 (MANE Select); 9 bases into the intron before coding-DNA position 524, T replaced by A.
Molecular consequence: intron variant.
Genome position (GRCh38, 1-based): chr18:31,522,074, T>A. VCF-style: chr18-31522074-T-A. GRCh37 (hg19) VCF-style: chr18-29102037-T-A.
Other names: p.?.
Identifiers: ClinVar variation 44322 (VCV000044322.44), dbSNP rs11876289, ClinGen allele CA022176.
Genomic context (GRCh38, chr18:31,522,074, plus strand): 5'-TAAATAAAATAACAGGTAAATATGCTTAAAGTTGAATTTCATCTTAGACATCTTTATTTC[T>A]AATGCCAGATACTCTTGTGATGAAAATCAATGCAACAGATGCAGATGAGCCCAATACCCT-3'

ClinVar aggregate classification (germline): Benign. Review status: criteria provided, multiple submitters, no conflicts (2 of 4 stars). 16 submissions from 16 submitters: Benign (11). 5 of the submissions do not count toward it. Last evaluated 2026-02-03.

Conditions:
Cardiomyopathy (CMYO). Also called: Cardiomyopathies. Identifiers: Orphanet 167848, MedGen C0878544, MONDO:0004994, HP:0001638. Inheritance: Various modes of inheritance.
Arrhythmogenic right ventricular dysplasia 10. Also called: ARRHYTHMOGENIC RIGHT VENTRICULAR DYSPLASIA, FAMILIAL, 10; Arrhythmogenic Right Ventricular Dysplasia/Cardiomyopathy10; Arrhythmogenic right ventricular dysplasia/cardiomyopathy, type 10. Identifiers: MedGen C1857777, MONDO:0012434, OMIM 610193.

Allele frequency attached by ClinVar (database versions not stated): ExAC 0.00682; gnomAD exomes 0.00207 and 0.00544; 1000 Genomes Project 0.02995; gnomAD 0.02115 and 0.02255; 1000 Genomes Project 30x 0.03264; ESP Exome Variant Server 0.02275; TOPMed 0.02375.
gnomAD v4.1: 6,375 of 1,613,106 alleles (0.4%); highest among the groups gnomAD compares: African/African-American, 7.4%; 234 homozygotes.

Submissions (28):

Labcorp Genetics (formerly Invitae), Labcorp
Classification: Benign for Arrhythmogenic right ventricular dysplasia 10. Last evaluated: 2026-02-03. Review status: criteria provided, single submitter. Criteria: Invitae Variant Classification Sherloc (09022015). Collection method: clinical testing. Allele origin: germline.

ARUP Laboratories, Molecular Genetics and Genomics, ARUP Laboratories
Classification: Benign. Last evaluated: 2025-07-08. Review status: criteria provided, single submitter. Criteria: ARUP Molecular Germline Variant Investigation Process 2024. Collection method: clinical testing. Allele origin: germline.

Molecular Diagnostic Laboratory for Inherited Cardiovascular Disease, Montreal Heart Institute
Classification: Benign. Last evaluated: 2025-04-09. Review status: criteria provided, single submitter. Criteria: ACMG Guidelines, 2015. Collection method: clinical testing. Allele origin: germline. Affected: no.

Color Diagnostics, LLC DBA Color Health
Classification: Benign for Cardiomyopathy. Last evaluated: 2018-04-08. Review status: criteria provided, single submitter. Criteria: ACMG Guidelines, 2015. Collection method: clinical testing. Allele origin: germline.

Illumina Laboratory Services, Illumina
Classification: Benign for Arrhythmogenic right ventricular dysplasia 10. Last evaluated: 2018-01-13. Review status: criteria provided, single submitter. Criteria: ICSL Variant Classification Criteria 13 December 2019. Collection method: clinical testing. Allele origin: germline.
Comment: This variant was observed in the ICSL laboratory as part of a predisposition screen in an ostensibly healthy population. It had not been previously curated by ICSL or reported in the Human Gene Mutation Database (HGMD: prior to June 1st, 2018), and was therefore a candidate for classification through an automated scoring system. Utilizing variant allele frequency, disease prevalence and penetrance estimates, and inheritance mode, an automated score was calculated to assess if this variant is too frequent to cause the disease. Based on the score and internal cut-off values, a variant classified as benign is not then subjected to further curation. The score for this variant resulted in a classification of benign for this disease.

CHEO Genetics Diagnostic Laboratory, Children's Hospital of Eastern Ontario
Classification: Benign for Cardiomyopathy. Last evaluated: 2016-04-06. Review status: criteria provided, single submitter. Criteria: ACMG Guidelines, 2015. Collection method: clinical testing. Allele origin: germline. Study: Canadian Open Genetics Repository.

Mayo Clinic Laboratories, Mayo Clinic
Classification: Benign. Last evaluated: 2016-04-04. Review status: criteria provided, single submitter. Criteria: ACMG Guidelines, 2015. Collection method: clinical testing. Allele origin: germline. Observed: 24 variant alleles.

GeneDx
Classification: Benign. Last evaluated: 2013-05-13. Review status: criteria provided, single submitter. Criteria: GeneDx Variant Classification (06012015). Collection method: clinical testing. Allele origin: germline. Affected: yes.
Comment: This variant is considered likely benign or benign based on one or more of the following criteria: it is a conservative change, it occurs at a poorly conserved position in the protein, it is predicted to be benign by multiple in silico algorithms, and/or has population frequency not consistent with disease.

Laboratory for Molecular Medicine, Mass General Brigham Personalized Medicine
Classification: Benign. Last evaluated: 2012-05-22. Review status: criteria provided, single submitter. Criteria: LMM Criteria. Collection method: clinical testing. Allele origin: germline. Observed: 31 variant alleles.

Breakthrough Genomics
Classification: Benign. Review status: criteria provided, single submitter. Criteria: ACMG Guidelines, 2015. Collection method: not provided. Allele origin: germline. Inheritance: Autosomal recessive inheritance. Affected: yes.

PreventionGenetics, part of Exact Sciences
Classification: Benign. Review status: criteria provided, single submitter. Criteria: ACMG Guidelines, 2015. Collection method: clinical testing. Allele origin: germline.

Cohesion Phenomics
Classification: Benign for Cardiomyopathy. Last evaluated: 2022-09-23. Review status: no assertion criteria provided. Criteria: ACMG Guidelines, 2015. Collection method: clinical testing. Allele origin: germline. Affected: yes. Not counted in ClinVar's aggregate classification.

Clinical Genetics DNA and cytogenetics Diagnostics Lab, Erasmus MC, Erasmus Medical Center
Classification: Benign. Review status: no assertion criteria provided. Collection method: clinical testing. Allele origin: germline. Affected: yes. Study: VKGL Data-share Consensus. Not counted in ClinVar's aggregate classification.

Clinical Genetics, Academic Medical Center
Classification: Benign. Review status: no assertion criteria provided. Collection method: clinical testing. Allele origin: germline. Affected: yes. Study: VKGL Data-share Consensus. Not counted in ClinVar's aggregate classification.

Dr. Peter K. Rogan Lab, Western University
No classification provided (evidence only). Condition: Lung cancer. Review status: no classification provided. Collection method: in vitro. Allele origin: not applicable. Functional consequence: retained intron. Not counted in ClinVar's aggregate classification.

Dr. Peter K. Rogan Lab, Western University
No classification provided (evidence only). Condition: Uterine corpus endometrial carcinoma. Review status: no classification provided. Collection method: in vitro. Allele origin: not applicable. Functional consequence: retained intron. Not counted in ClinVar's aggregate classification.

Dr. Peter K. Rogan Lab, Western University
No classification provided (evidence only). Condition: Uterine corpus endometrial carcinoma. Review status: no classification provided. Collection method: in vitro. Allele origin: not applicable. Functional consequence: retained intron. Not counted in ClinVar's aggregate classification.

Dr. Peter K. Rogan Lab, Western University
No classification provided (evidence only). Condition: Uterine corpus endometrial carcinoma. Review status: no classification provided. Collection method: in vitro. Allele origin: not applicable. Functional consequence: retained intron. Not counted in ClinVar's aggregate classification.

Dr. Peter K. Rogan Lab, Western University
No classification provided (evidence only). Condition: Uterine corpus endometrial carcinoma. Review status: no classification provided. Collection method: in vitro. Allele origin: not applicable. Functional consequence: retained intron. Not counted in ClinVar's aggregate classification.

Dr. Peter K. Rogan Lab, Western University
No classification provided (evidence only). Condition: Cervical cancer. Review status: no classification provided. Collection method: in vitro. Allele origin: not applicable. Functional consequence: retained intron. Not counted in ClinVar's aggregate classification.

Dr. Peter K. Rogan Lab, Western University
No classification provided (evidence only). Condition: Cervical cancer. Review status: no classification provided. Collection method: in vitro. Allele origin: not applicable. Functional consequence: retained intron. Not counted in ClinVar's aggregate classification.

Dr. Peter K. Rogan Lab, Western University
No classification provided (evidence only). Condition: Cervical cancer. Review status: no classification provided. Collection method: in vitro. Allele origin: not applicable. Functional consequence: retained intron. Not counted in ClinVar's aggregate classification.

Dr. Peter K. Rogan Lab, Western University
No classification provided (evidence only). Condition: Cervical cancer. Review status: no classification provided. Collection method: in vitro. Allele origin: not applicable. Functional consequence: retained intron. Not counted in ClinVar's aggregate classification.

Dr. Peter K. Rogan Lab, Western University
No classification provided (evidence only). Condition: Sarcoma. Review status: no classification provided. Collection method: in vitro. Allele origin: not applicable. Functional consequence: retained intron. Not counted in ClinVar's aggregate classification.

Dr. Peter K. Rogan Lab, Western University
No classification provided (evidence only). Condition: Ovarian serous cystadenocarcinoma. Review status: no classification provided. Collection method: in vitro. Allele origin: not applicable. Functional consequence: retained intron. Not counted in ClinVar's aggregate classification.

Dr. Peter K. Rogan Lab, Western University
No classification provided (evidence only). Condition: Ovarian serous cystadenocarcinoma. Review status: no classification provided. Collection method: in vitro. Allele origin: not applicable. Functional consequence: retained intron. Not counted in ClinVar's aggregate classification.

Genome Diagnostics Laboratory, University Medical Center Utrecht
Classification: Benign. Review status: no assertion criteria provided. Collection method: clinical testing. Allele origin: germline. Affected: yes. Study: VKGL Data-share Consensus. Not counted in ClinVar's aggregate classification.

Joint Genome Diagnostic Labs from Nijmegen and Maastricht, Radboudumc and MUMC+
Classification: Benign. Review status: no assertion criteria provided. Collection method: clinical testing. Allele origin: germline. Affected: yes. Study: VKGL Data-share Consensus. Not counted in ClinVar's aggregate classification.